The following is an entry in ClinVar:

NM_173849.3(GSC):c.236G>A (p.Gly79Asp)

Gene: GSC (goosecoid homeobox; minus strand). Cytogenetic location: 14q32.13.
Variant type: single nucleotide variant.
Coding change: c.236G>A on transcript NM_173849.3 (MANE Select); coding-DNA position 236, G replaced by A.
Protein change: p.Gly79Asp; replaces glycine 79 with aspartic acid.
Molecular consequence: missense variant.
Genome position (GRCh38, 1-based): chr14:94,769,780, C>T on the plus strand (G>A on the coding strand, the complement: GSC is on the minus strand). VCF-style: chr14-94769780-C-T. GRCh37 (hg19) VCF-style: chr14-95236117-C-T.
Other names: short protein forms G79D.
Identifiers: ClinVar variation 1492214 (VCV001492214.6), dbSNP rs1885246399, ClinGen allele CA391148913.

ClinVar aggregate classification (germline): Uncertain significance (1 of 4 stars; one submission).

Allele frequency attached by ClinVar (database versions not stated): TOPMed below 0.00001.

Submission:

Labcorp Genetics (formerly Invitae), Labcorp
Classification: Uncertain significance. Last evaluated: 2022-06-27. Review status: criteria provided, single submitter. Criteria: Invitae Variant Classification Sherloc (09022015). Collection method: clinical testing. Allele origin: germline.
Comment: In summary, the available evidence is currently insufficient to determine the role of this variant in disease. Therefore, it has been classified as a Variant of Uncertain Significance. This sequence change replaces glycine, which is neutral and non-polar, with aspartic acid, which is acidic and polar, at codon 79 of the GSC protein (p.Gly79Asp). This variant is not present in population databases (gnomAD no frequency). This variant has not been reported in the literature in individuals affected with GSC-related conditions. Algorithms developed to predict the effect of missense changes on protein structure and function are either unavailable or do not agree on the potential impact of this missense change (SIFT: "Deleterious"; PolyPhen-2: "Possibly Damaging"; Align-GVGD: "Class C0").